The following is an entry in ClinVar:

ClinVar aggregate classification (germline): Uncertain significance (1 of 4 stars; one submission).

Conditions:
Frontotemporal dementia and/or amyotrophic lateral sclerosis 4. Also called: FTDALS4. Identifiers: Orphanet 275872, MedGen C4225325, MONDO:0014641, OMIM 616439.

Submission:

Labcorp Genetics (formerly Invitae), Labcorp
Classification: Uncertain significance for Frontotemporal dementia and/or amyotrophic lateral sclerosis 4. Last evaluated: 2021-09-16. Review status: criteria provided, single submitter. Criteria: Invitae Variant Classification Sherloc (09022015). Collection method: clinical testing. Allele origin: germline.
Comment: In summary, the available evidence is currently insufficient to determine the role of this variant in disease. Therefore, it has been classified as a Variant of Uncertain Significance. Advanced modeling of protein sequence and biophysical properties (such as structural, functional, and spatial information, amino acid conservation, physicochemical variation, residue mobility, and thermodynamic stability) performed at Invitae indicates that this missense variant is not expected to disrupt TBK1 protein function. This variant has not been reported in the literature in individuals affected with TBK1-related conditions. This variant is not present in population databases (ExAC no frequency). This sequence change replaces isoleucine with threonine at codon 14 of the TBK1 protein (p.Ile14Thr). The isoleucine residue is highly conserved and there is a moderate physicochemical difference between isoleucine and threonine.

NM_013254.4(TBK1):c.41T>C (p.Ile14Thr)

Gene: TBK1 (TANK binding kinase 1; plus strand). Cytogenetic location: 12q14.2.
Variant type: single nucleotide variant.
Coding change: c.41T>C on transcript NM_013254.4 (MANE Select); coding-DNA position 41, T replaced by C.
Protein change: p.Ile14Thr; replaces isoleucine 14 with threonine.
Molecular consequence: missense variant.
Genome position (GRCh38, 1-based): chr12:64,455,911, T>C. VCF-style: chr12-64455911-T-C. GRCh37 (hg19) VCF-style: chr12-64849691-T-C.
Other names: short protein forms I14T.
Identifiers: ClinVar variation 1442024 (VCV001442024.6), dbSNP rs2136052738, ClinGen allele CA385592947.